The following is an entry in ClinVar:

NM_001134363.3(RBM20):c.130C>A (p.Pro44Thr)

Gene: RBM20 (RNA binding motif protein 20; plus strand). Cytogenetic location: 10q25.2.
Variant type: single nucleotide variant.
Coding change: c.130C>A on transcript NM_001134363.3 (MANE Select); coding-DNA position 130, C replaced by A.
Protein change: p.Pro44Thr; replaces proline 44 with threonine.
Molecular consequence: missense variant.
Genome position (GRCh38, 1-based): chr10:110,644,584, C>A. VCF-style: chr10-110644584-C-A. GRCh37 (hg19) VCF-style: chr10-112404342-C-A.
Other names: short protein forms P44T.
Identifiers: ClinVar variation 2763237 (VCV002763237.3), dbSNP rs2493192614, ClinGen allele CA378527794.

ClinVar aggregate classification (germline): Uncertain significance (1 of 4 stars; one submission).

Conditions:
Dilated cardiomyopathy 1DD (CMD1DD). Identifiers: Orphanet 154, MedGen C2750995, MONDO:0013168, OMIM 613172.

Submission:

Labcorp Genetics (formerly Invitae), Labcorp
Classification: Uncertain significance for Dilated cardiomyopathy 1DD. Last evaluated: 2023-09-25. Review status: criteria provided, single submitter. Criteria: Invitae Variant Classification Sherloc (09022015). Collection method: clinical testing. Allele origin: germline.
Comment: This sequence change replaces proline, which is neutral and non-polar, with threonine, which is neutral and polar, at codon 44 of the RBM20 protein (p.Pro44Thr). This variant is not present in population databases (gnomAD no frequency). This variant has not been reported in the literature in individuals affected with RBM20-related conditions. Advanced modeling of protein sequence and biophysical properties (such as structural, functional, and spatial information, amino acid conservation, physicochemical variation, residue mobility, and thermodynamic stability) performed at Invitae indicates that this missense variant is not expected to disrupt RBM20 protein function. In summary, the available evidence is currently insufficient to determine the role of this variant in disease. Therefore, it has been classified as a Variant of Uncertain Significance.